The following is an entry in ClinVar:

ClinVar aggregate classification (germline): Likely benign (1 of 4 stars; one submission).

Submission:

GeneDx
Classification: Likely benign. Last evaluated: 2021-12-10. Review status: criteria provided, single submitter. Criteria: GeneDx Variant Classification Process June 2021. Collection method: clinical testing. Allele origin: germline. Affected: yes.
Comment: See Variant Classification Assertion Criteria.

NM_012062.5(DNM1L):c.2154+37TAGA[3]

Gene: DNM1L (dynamin 1 like; plus strand). Cytogenetic location: 12p11.21.
Variant type: Microsatellite.
Coding change: c.2154+37TAGA[3] on transcript NM_012062.5 (MANE Select); three copies in a row of the 4-base unit TAGA starting at c.2154+37; the reference has two copies in a row; one copy, 4 bases duplicated.
Molecular consequence: intron variant.
Genome position (GRCh38, 1-based): chr12:32,742,789-32,742,792, TAGA duplicated; duplicating any 4 consecutive bases within chr12:32,742,785-32,742,792 gives the same sequence; the position shown is the placement nearest the transcript's 3' end. VCF-style (leftmost placement, unchanged base first): chr12-32742784-G-GTAGA. GRCh37 (hg19) VCF-style: chr12-32895718-G-GTAGA.
Other names: c.2193+37TAGA[3] (NM_001278464.2); c.2160+37TAGA[3] (NM_001278465.2); c.2082+37TAGA[3] (NM_001330380.2); c.1545+37TAGA[3] (NM_001278466.2); c.2121+37TAGA[3] (NM_001278463.2); c.2076+37TAGA[3] (NM_012063.4); c.2043+37TAGA[3] (NM_005690.5).
Identifiers: ClinVar variation 1691594 (VCV001691594.3), dbSNP rs143825135, ClinGen allele CA6507778.
Genomic context (GRCh38, chr12:32,742,784, plus strand): 5'-GAAAGAAGCAGCTGATATGCTAAAGGTATTGTGGACCTTTTGATTTTTTATACTTGGGTA[G>GTAGA]TAGATAGAAACATAGAAATAGTTTTAAATGCAGTTTGATTCTTGGATATGTATAGTCTTT-3'